The following is an entry in ClinVar:

ClinVar aggregate classification (germline): Likely pathogenic (1 of 4 stars; one submission).

Conditions:
Alstrom syndrome (ALMS). Identifiers: Orphanet 64, MedGen C0268425, MONDO:0008763, OMIM 203800.

Submission:

Labcorp Genetics (formerly Invitae), Labcorp
Classification: Likely pathogenic for Alstrom syndrome. Last evaluated: 2026-01-15. Review status: criteria provided, single submitter. Criteria: Invitae Variant Classification Sherloc (09022015). Collection method: clinical testing. Allele origin: germline.
Comment: This sequence change affects a donor splice site in intron 3 of the ALMS1 gene. It is expected to disrupt RNA splicing. Variants that disrupt the donor or acceptor splice site typically lead to a loss of protein function (PMID: 16199547), and loss-of-function variants in ALMS1 are known to be pathogenic (PMID: 17594715). This variant is not present in population databases (gnomAD no frequency). This variant has not been reported in the literature in individuals affected with ALMS1-related conditions. ClinVar contains an entry for this variant (Variation ID: 1514416). Algorithms developed to predict the effect of sequence changes on RNA splicing suggest that this variant may disrupt the consensus splice site. In summary, the currently available evidence indicates that the variant is pathogenic, but additional data are needed to prove that conclusively. Therefore, this variant has been classified as Likely Pathogenic.

Literature cited by the submitters: PubMed 16199547; PubMed 17594715.

NM_001378454.1(ALMS1):c.646+2T>A

Gene: ALMS1 (ALMS1 centrosome and basal body associated protein; plus strand). Cytogenetic location: 2p13.1.
Variant type: single nucleotide variant.
Coding change: c.646+2T>A on transcript NM_001378454.1 (MANE Select); the canonical splice donor site of the intron after coding-DNA position 646, T replaced by A.
Molecular consequence: splice donor variant.
Genome position (GRCh38, 1-based): chr2:73,419,320, T>A. VCF-style: chr2-73419320-T-A. GRCh37 (hg19) VCF-style: chr2-73646448-T-A.
Other names: c.646+2T>A (NM_015120.4).
Identifiers: ClinVar variation 1514416 (VCV001514416.6), dbSNP rs1572911143, ClinGen allele CA347259457.